The following is an entry in ClinVar:

ClinVar aggregate classification (germline): Conflicting classifications of pathogenicity. Review status: criteria provided, conflicting classifications (1 of 4 stars). 4 submissions from 4 submitters: Pathogenic (1); Uncertain significance (3). Last evaluated 2026-01-09.

Conditions:
Capillary malformation-arteriovenous malformation 2 (CMAVM2). Identifiers: Orphanet 693912, MedGen C4748670, MONDO:0020785, OMIM 618196.

Allele frequency attached by ClinVar (database versions not stated): gnomAD exomes below 0.00001.
gnomAD v4.1: 6 of 1,610,080 alleles (0.00037%); highest among the groups gnomAD compares: East Asian, 0.0022%; no homozygotes.

Submissions (4):

GeneDx
Classification: Uncertain significance. Last evaluated: 2026-01-09. Review status: criteria provided, single submitter. Criteria: GeneDx Variant Classification Process June 2021. Collection method: clinical testing. Allele origin: germline. Affected: yes.
Comment: Not observed at significant frequency in large population cohorts (gnomAD); In silico analysis indicates that this missense variant does not alter protein structure/function; This variant is associated with the following publications: (PMID: 30819650, 28687708, Mishra[computational]2023, 40047120)

Labcorp Genetics (formerly Invitae), Labcorp
Classification: Uncertain significance. Last evaluated: 2025-03-26. Review status: criteria provided, single submitter. Criteria: Invitae Variant Classification Sherloc (09022015). Collection method: clinical testing. Allele origin: germline.
Comment: This sequence change replaces glutamic acid, which is acidic and polar, with lysine, which is basic and polar, at codon 59 of the EPHB4 protein (p.Glu59Lys). This variant is not present in population databases (gnomAD no frequency). This missense change has been observed in individual(s) with capillary malformation-arteriovenous malformation (PMID: 28687708). ClinVar contains an entry for this variant (Variation ID: 691535). Invitae Evidence Modeling of protein sequence and biophysical properties (such as structural, functional, and spatial information, amino acid conservation, physicochemical variation, residue mobility, and thermodynamic stability) indicates that this missense variant is not expected to disrupt EPHB4 protein function with a negative predictive value of 95%. In summary, the available evidence is currently insufficient to determine the role of this variant in disease. Therefore, it has been classified as a Variant of Uncertain Significance.

Seattle Children's Hospital Molecular Genetics Laboratory, Seattle Children's Hospital
Classification: Pathogenic. Last evaluated: 2021-12-02. Review status: criteria provided, single submitter. Criteria: ACMG Guidelines, 2015. Collection method: clinical testing. Allele origin: germline. Affected: yes.
Comment: The p.Glu59Lys variant has been previously reported in the literature and in patient databases (PMID: 28687708). This variant substitutes a glutamic acid at amino acid position 59 with a lysine in the ligand-binding domain of the EPHB4 protein and is absent from the general population (gnomAD v.2.1.1).

SIB Swiss Institute of Bioinformatics
Classification: Uncertain significance for Capillary malformation-arteriovenous malformation 2. Last evaluated: 2019-03-29. Review status: criteria provided, single submitter. Criteria: ACMG Guidelines, 2015. Collection method: curation. Allele origin: unknown.
Comment: This variant is interpreted as Uncertain significance for Capillary malformation-arteriovenous malformation 2. The following ACMG Tag(s) were applied: PM2: Absent from controls (or at extremely low frequency if recessive) in Exome Sequencing Project, 1000 Genomes Project, or Exome Aggregation Consortium. PP3: Multiple lines of computational evidence support a deleterious effect on the gene or gene product.

Literature cited by the submitters: PubMed 28687708 (cited by Labcorp Genetics (formerly Invitae), Labcorp and SIB Swiss Institute of Bioinformatics).

NM_004444.5(EPHB4):c.175G>A (p.Glu59Lys)

Gene: EPHB4 (EPH receptor B4; minus strand). Cytogenetic location: 7q22.1.
Variant type: single nucleotide variant.
Coding change: c.175G>A on transcript NM_004444.5 (MANE Select); coding-DNA position 175, G replaced by A.
Protein change: p.Glu59Lys; replaces glutamic acid 59 with lysine.
Molecular consequence: missense variant.
Genome position (GRCh38, 1-based): chr7:100,823,880, C>T on the plus strand (G>A on the coding strand, the complement: EPHB4 is on the minus strand). VCF-style: chr7-100823880-C-T. GRCh37 (hg19) VCF-style: chr7-100421502-C-T.
Other names: short protein forms E59K.
Identifiers: ClinVar variation 691535 (VCV000691535.15), dbSNP rs1584667224, ClinGen allele CA368584586.